The following is an entry in ClinVar:

ClinVar aggregate classification (germline): Likely benign (1 of 4 stars; one submission).

gnomAD v4.1: 78 of 1,613,594 alleles (0.0048%); highest among the groups gnomAD compares: Admixed American, 0.045%; 1 homozygote.

Submission:

CeGaT Center for Human Genetics Tuebingen
Classification: Likely benign. Last evaluated: 2026-09-01. Review status: criteria provided, single submitter. Criteria: CeGaT Center For Human Genetics Tuebingen Variant Classification Criteria Version 2. Collection method: clinical testing. Allele origin: germline. Affected: yes. Observed: 1 variant allele.
Comment: TRIM71: BP4, BP7

NM_001039111.3(TRIM71):c.1986C>T (p.Asp662=)

Gene: TRIM71 (tripartite motif containing 71; plus strand). Cytogenetic location: 3p22.3.
Variant type: single nucleotide variant.
Coding change: c.1986C>T on transcript NM_001039111.3 (MANE Select); coding-DNA position 1986, C replaced by T.
Protein change: p.Asp662=; no amino-acid change (aspartic acid 662 retained).
Molecular consequence: synonymous variant.
Genome position (GRCh38, 1-based): chr3:32,891,190, C>T. VCF-style: chr3-32891190-C-T. GRCh37 (hg19) VCF-style: chr3-32932682-C-T.
Identifiers: ClinVar variation 5040912 (VCV005040912.1).